The following is an entry in ClinVar:

ClinVar aggregate classification (germline): Uncertain significance. Review status: criteria provided, multiple submitters, no conflicts (2 of 4 stars). 2 submissions from 2 submitters: Uncertain significance (2). Last evaluated 2025-09-04.

Conditions:
DICER1-related tumor predisposition. Also called: DICER1-related pleuropulmonary blastoma cancer predisposition syndrome; DICER1 syndrome. Identifiers: Orphanet 284343, MedGen C3839822, MONDO:0100216.
Hereditary cancer-predisposing syndrome. Also called: Neoplastic Syndromes, Hereditary; Hereditary Cancer Syndrome; Tumor predisposition; Hereditary neoplastic syndrome. Identifiers: Orphanet 140162, MedGen C0027672, MeSH D009386, MONDO:0015356.

Allele frequency attached by ClinVar (database versions not stated): gnomAD exomes below 0.00001; ExAC 0.00001.
gnomAD v4.1: 2 of 1,613,788 alleles (0.00012%); highest among the groups gnomAD compares: South Asian, 0.0022%; no homozygotes.

Submissions (2):

Labcorp Genetics (formerly Invitae), Labcorp
Classification: Uncertain significance for DICER1-related tumor predisposition. Last evaluated: 2025-09-04. Review status: criteria provided, single submitter. Criteria: Invitae Variant Classification Sherloc (09022015). Collection method: clinical testing. Allele origin: germline.
Comment: This sequence change replaces alanine, which is neutral and non-polar, with threonine, which is neutral and polar, at codon 564 of the DICER1 protein (p.Ala564Thr). This variant is present in population databases (rs773357230, gnomAD 0.003%). This variant has not been reported in the literature in individuals affected with DICER1-related conditions. ClinVar contains an entry for this variant (Variation ID: 1692081). Invitae Evidence Modeling of protein sequence and biophysical properties (such as structural, functional, and spatial information, amino acid conservation, physicochemical variation, residue mobility, and thermodynamic stability) indicates that this missense variant is not expected to disrupt DICER1 protein function with a negative predictive value of 95%. In summary, the available evidence is currently insufficient to determine the role of this variant in disease. Therefore, it has been classified as a Variant of Uncertain Significance.

Sema4
Classification: Uncertain significance for Hereditary cancer-predisposing syndrome. Last evaluated: 2021-08-02. Review status: criteria provided, single submitter. Criteria: Sema4 Curation Guidelines. Collection method: curation. Allele origin: germline.
Comment: The DICER1 c.1690G>A (p.A564T) variant has not been reported in the literature to our knowledge. It was observed in 1/30610 chromosomes of the South Asian subpopulation in the large and broad cohorts of the Genome Aggregation Database (PMID: 32461654). The variant has not been reported in ClinVar. Functional studies have not been performed, and in silico predictions of the variant's effect on protein function are inconclusive. The evidence is insufficient to meet ACMG/AMP criteria for classifying the variant as benign or pathogenic. Thus, the clinical significance of this variant is currently uncertain.

NM_177438.3(DICER1):c.1690G>A (p.Ala564Thr)

Gene: DICER1 (dicer 1, ribonuclease III; minus strand). Cytogenetic location: 14q32.13.
Variant type: single nucleotide variant.
Coding change: c.1690G>A on transcript NM_177438.3 (MANE Select); coding-DNA position 1690, G replaced by A.
Protein change: p.Ala564Thr; replaces alanine 564 with threonine.
Molecular consequence: missense variant. On other transcripts: non-coding transcript variant (6).
Genome position (GRCh38, 1-based): chr14:95,116,515, C>T on the plus strand (G>A on the coding strand, the complement: DICER1 is on the minus strand). VCF-style: chr14-95116515-C-T. GRCh37 (hg19) VCF-style: chr14-95582852-C-T.
Other names: c.1690G>A, p.Ala564Thr (NM_001195573.1, NM_001271282.3, NM_001291628.2 and 12 more transcripts); c.1408G>A, p.Ala470Thr (NM_001395686.1); c.1285G>A, p.Ala429Thr (NM_001395687.1, NM_001395688.1, NM_001395689.1 and 3 more transcripts); c.1123G>A, p.Ala375Thr (NM_001395691.1); c.7G>A, p.Ala3Thr (NM_001395697.1); short protein forms A375T, A3T, A429T, A470T, A564T.
Identifiers: ClinVar variation 1692081 (VCV001692081.2), dbSNP rs773357230, ClinGen allele CA7331440.